The following is an entry in ClinVar:

ClinVar aggregate classification (germline): Uncertain significance. Review status: criteria provided, multiple submitters, no conflicts (2 of 4 stars). 2 submissions from 2 submitters: Uncertain significance (2). Last evaluated 2025-07-28.

Conditions:
Familial thoracic aortic aneurysm and aortic dissection (TAAD). Also called: Thoracic aortic aneurysms and dissections. Identifiers: Orphanet 91387, MedGen C4707243, MONDO:0019625.

Submissions (2):

Color Diagnostics, LLC DBA Color Health
Classification: Uncertain significance for Familial thoracic aortic aneurysm and aortic dissection. Last evaluated: 2025-07-28. Review status: criteria provided, single submitter. Criteria: ACMG Guidelines, 2015. Collection method: clinical testing. Allele origin: germline.
Comment: This missense variant replaces proline with leucine at codon 498 of the TGFBR2 protein. Computational prediction suggests that this variant may have a deleterious impact on protein structure and function. To our knowledge, functional studies have not been reported for this variant. This variant has not been reported in individuals affected with TGFBR2-related disorders in the literature. This variant has not been identified in the general population by the Genome Aggregation Database (gnomAD). The available evidence is insufficient to determine the role of this variant in disease conclusively. Therefore, this variant is classified as a Variant of Uncertain Significance.

GeneDx
Classification: Uncertain significance. Last evaluated: 2024-07-14. Review status: criteria provided, single submitter. Criteria: GeneDx Variant Classification Process June 2021. Collection method: clinical testing. Allele origin: germline. Affected: yes.
Comment: Has not been previously published as pathogenic or benign to our knowledge; Not observed at significant frequency in large population cohorts (gnomAD); In silico analysis supports that this missense variant has a deleterious effect on protein structure/function

NM_003242.6(TGFBR2):c.1493C>T (p.Pro498Leu)

Gene: TGFBR2 (transforming growth factor beta receptor 2; plus strand). Cytogenetic location: 3p24.1.
Variant type: single nucleotide variant.
Coding change: c.1493C>T on transcript NM_003242.6 (MANE Select); coding-DNA position 1493, C replaced by T.
Protein change: p.Pro498Leu; replaces proline 498 with leucine.
Molecular consequence: missense variant.
Genome position (GRCh38, 1-based): chr3:30,688,480, C>T. VCF-style: chr3-30688480-C-T. GRCh37 (hg19) VCF-style: chr3-30729972-C-T.
Other names: c.1568C>T, p.Pro523Leu (NM_001024847.3); c.1676C>T, p.Pro559Leu (NM_001407126.1); c.1601C>T, p.Pro534Leu (NM_001407127.1); c.1520C>T, p.Pro507Leu (NM_001407128.1); c.1496C>T, p.Pro499Leu (NM_001407129.1); c.1490C>T, p.Pro497Leu (NM_001407130.1); c.1388C>T, p.Pro463Leu (NM_001407132.1, NM_001407133.1, NM_001407134.1 and 2 more transcripts); c.1208C>T, p.Pro403Leu (NM_001407137.1); and 2 more; short protein forms P208L, P378L, P403L, P463L, P497L, P498L, P499L, P507L.
Identifiers: ClinVar variation 3252814 (VCV003252814.2), dbSNP rs1699661646.